The following is an entry in ClinVar:

ClinVar aggregate classification (germline): Pathogenic/Likely pathogenic. Review status: criteria provided, multiple submitters, no conflicts (2 of 4 stars). 5 submissions from 5 submitters: Pathogenic (2); Likely pathogenic (2). 1 of the submissions does not count toward it. Last evaluated 2023-04-27.

Conditions:
PIGH-related disorder. Also called: PIGH-related condition.
Glycosylphosphatidylinositol biosynthesis defect 17. Identifiers: MedGen C4747891, MONDO:0060724, OMIM 618010.

Allele frequency attached by ClinVar (database versions not stated): ExAC 0.00001; gnomAD 0.00001; TOPMed 0.00001; gnomAD exomes 0.00002 and 0.00004.
gnomAD v4.1: 55 of 1,613,474 alleles (0.0034%); highest among the groups gnomAD compares: Non-Finnish European, 0.0045%; no homozygotes.

Submissions (5):

Blueprint Genetics
Classification: Likely pathogenic for PIGH-related disorders. Last evaluated: 2023-04-27. Review status: criteria provided, single submitter. Criteria: ACMG Guidelines, 2015. Collection method: clinical testing. Allele origin: germline. Affected: yes. Observed: 3 variant alleles.

Genetics and Genomic Medicine Centre, NeuroGen Healthcare, NeuroGen Healthcare
Classification: Pathogenic for Glycosylphosphatidylinositol biosynthesis defect 17. Last evaluated: 2020-08-08. Review status: criteria provided, single submitter. Criteria: Submitter's publication. Collection method: clinical testing. Allele origin: unknown. Affected: no.

Genetics Laboratory, Department of Biology, Semnan University
Classification: Likely pathogenic for Glycosylphosphatidylinositol biosynthesis defect 17. Last evaluated: 2018-07-23. Review status: criteria provided, single submitter. Criteria: ACMG Guidelines, 2015. Collection method: research. Allele origin: germline. Inheritance: Autosomal recessive inheritance. Affected: yes. Observed: 1 variant allele, 1 homozygote.
Comment: The identified variant leads to the substitution of Serine 103 with Proline (S103P) in the PIGH protein. Hence, this substitution could alter the amino acid sequence and could leads to a decreased function of mutated protein.

Neuberg Centre For Genomic Medicine, NCGM
Classification: Pathogenic for Glycosylphosphatidylinositol biosynthesis defect 17. Review status: criteria provided, single submitter. Criteria: ACMG Guidelines, 2015. Collection method: clinical testing. Allele origin: germline. Affected: yes.
Comment: The missense variant p.S103P in PIGH (NM_004569.5) has been previously reported in homozygous state in an affected individual with developmental delay and autism (Nguyen TTM et al). Analysis of surface expression on granulocytes had revealed a reduced expression. The proband did not have epileptic encephalopathy but had two episodes of febrile seizures. The variant has been submitted to the ClinVar database as Pathogenic using the above as reference. The p.S103P variant is observed in 4/1,13,714 (0.0035%) alleles from individuals of European (Non-Finnish) background in gnomAD Exomes and is novel (not in any individuals) in 1000 Genomes. There is a moderate physicochemical difference between serine and proline. The p.S103P missense variant is predicted to be damaging by both SIFT and PolyPhen2. The nucleotide c.307 in PIGH is predicted conserved by GERP++ and PhyloP across 100 vertebrates. For these reasons, this variant has been classified as Pathogenic.

OMIM
Classification: Pathogenic for GLYCOSYLPHOSPHATIDYLINOSITOL BIOSYNTHESIS DEFECT 17. Last evaluated: 2022-12-28. Review status: no assertion criteria provided. Collection method: literature only. Allele origin: germline. Not counted in ClinVar's aggregate classification.

Literature cited by the submitters: DOI 10.1097/MCD.0000000000000423 (cited by Genetics Laboratory, Department of Biology, Semnan University); PubMed 29603516 (cited by OMIM); PubMed 33156547 (cited by OMIM).

NM_004569.5(PIGH):c.307T>C (p.Ser103Pro)

Genes: GPHN (gephyrin; plus strand), PIGH (phosphatidylinositol glycan anchor biosynthesis class H; minus strand). Cytogenetic location: 14q24.1.
Variant type: single nucleotide variant.
Coding change: c.307T>C on transcript NM_004569.5 (MANE Select); coding-DNA position 307, T replaced by C.
Protein change: p.Ser103Pro; replaces serine 103 with proline.
Molecular consequence: missense variant.
Genome position (GRCh38, 1-based): chr14:67,593,826, A>G on the plus strand (T>C on the coding strand, the complement: PIGH is on the minus strand). VCF-style: chr14-67593826-A-G. GRCh37 (hg19) VCF-style: chr14-68060543-A-G.
Other names: PIGH, SER103PRO (rs776038451); c.307T>C, p.Ser103Pro (NM_001363694.2); short protein forms S103P.
Identifiers: ClinVar variation 545631 (VCV000545631.8), dbSNP rs776038451, ClinGen allele CA7237577.